The following is an entry in ClinVar:

ClinVar aggregate classification (germline): Uncertain significance. Review status: criteria provided, multiple submitters, no conflicts (2 of 4 stars). 5 submissions from 5 submitters: Uncertain significance (5). Last evaluated 2024-10-24.

Conditions:
Inborn genetic diseases. Identifiers: MedGen C0950123, MeSH D030342.
Martsolf syndrome 2. Identifiers: MedGen C5543626, MONDO:0030376, OMIM 619420.
Warburg micro syndrome 1 (WARBM1). Identifiers: Orphanet 2510, MedGen C1838625, MONDO:0010822, OMIM 600118.

Allele frequency attached by ClinVar (database versions not stated): gnomAD exomes 0.00003 and 0.00010; ExAC 0.00014; gnomAD 0.00030 and 0.00034; TOPMed 0.00030; 1000 Genomes Project 0.00040; 1000 Genomes Project 30x 0.00047; ESP Exome Variant Server 0.00054.
gnomAD v4.1: 90 of 1,612,414 alleles (0.0056%); highest among the groups gnomAD compares: African/African-American, 0.12%; 1 homozygote.

Submissions (5):

Ambry Genetics
Classification: Uncertain significance for Inborn genetic diseases. Last evaluated: 2024-10-24. Review status: criteria provided, single submitter. Criteria: Ambry Variant Classification Scheme 2023. Collection method: clinical testing. Allele origin: germline.

GeneDx
Classification: Uncertain significance. Last evaluated: 2023-01-28. Review status: criteria provided, single submitter. Criteria: GeneDx Variant Classification Process June 2021. Collection method: clinical testing. Allele origin: germline. Affected: yes.
Comment: In silico analysis supports that this missense variant does not alter protein structure/function; Has not been previously published as pathogenic or benign to our knowledge

Labcorp Genetics (formerly Invitae), Labcorp
Classification: Uncertain significance. Last evaluated: 2022-06-18. Review status: criteria provided, single submitter. Criteria: Invitae Variant Classification Sherloc (09022015). Collection method: clinical testing. Allele origin: germline.
Comment: This sequence change replaces threonine, which is neutral and polar, with isoleucine, which is neutral and non-polar, at codon 409 of the RAB3GAP1 protein (p.Thr409Ile). This variant is present in population databases (rs149010855, gnomAD 0.1%). This variant has not been reported in the literature in individuals affected with RAB3GAP1-related conditions. ClinVar contains an entry for this variant (Variation ID: 130062). Algorithms developed to predict the effect of missense changes on protein structure and function (SIFT, PolyPhen-2, Align-GVGD) all suggest that this variant is likely to be tolerated. In summary, the available evidence is currently insufficient to determine the role of this variant in disease. Therefore, it has been classified as a Variant of Uncertain Significance.

Fulgent Genetics
Classification: Uncertain significance for Warburg micro syndrome 1; Martsolf syndrome 2. Last evaluated: 2022-02-01. Review status: criteria provided, single submitter. Criteria: ACMG Guidelines, 2015. Collection method: clinical testing. Allele origin: unknown.

Genetic Services Laboratory, University of Chicago
Classification: Uncertain significance. Last evaluated: 2013-11-14. Review status: criteria provided, single submitter. Criteria: ACMG Guidelines, 2007. Collection method: clinical testing. Allele origin: germline. Inheritance: Autosomal recessive inheritance.

NM_012233.3(RAB3GAP1):c.1226C>T (p.Thr409Ile)

Gene: RAB3GAP1 (RAB3 GTPase activating protein catalytic subunit 1; plus strand). Cytogenetic location: 2q21.3.
Variant type: single nucleotide variant.
Coding change: c.1226C>T on transcript NM_012233.3 (MANE Select); coding-DNA position 1226, C replaced by T.
Protein change: p.Thr409Ile; replaces threonine 409 with isoleucine.
Molecular consequence: missense variant.
Genome position (GRCh38, 1-based): chr2:135,130,711, C>T. VCF-style: chr2-135130711-C-T. GRCh37 (hg19) VCF-style: chr2-135888281-C-T.
Other names: c.1226C>T, p.Thr409Ile (NM_001172435.2); short protein forms T409I.
Identifiers: ClinVar variation 130062 (VCV000130062.14), dbSNP rs149010855, ClinGen allele CA231428.